The following is an entry in ClinVar:

ClinVar aggregate classification (germline): Likely benign. Review status: criteria provided, multiple submitters, no conflicts (2 of 4 stars). 2 submissions from 2 submitters: Likely benign (2). Last evaluated 2024-08-12.

Conditions:
Catecholaminergic polymorphic ventricular tachycardia 1. Also called: VENTRICULAR TACHYCARDIA, CATECHOLAMINERGIC POLYMORPHIC, 1, WITH OR WITHOUT ATRIAL DYSFUNCTION AND/OR DILATED CARDIOMYOPATHY; RYR2-Related Catecholaminergic Polymorphic Ventricular Tachycardia; VENTRICULAR TACHYCARDIA, STRESS-INDUCED POLYMORPHIC 1. Identifiers: Orphanet 3286, MedGen C1631597, MONDO:0011484, OMIM 604772.

Allele frequency attached by ClinVar (database versions not stated): gnomAD exomes below 0.00001.
gnomAD v4.1: 1 of 1,611,662 alleles (0.000062%); highest among the groups gnomAD compares: Non-Finnish European, 0.000085%; no homozygotes.

Submissions (2):

Labcorp Genetics (formerly Invitae), Labcorp
Classification: Likely benign for Catecholaminergic polymorphic ventricular tachycardia 1. Last evaluated: 2024-08-12. Review status: criteria provided, single submitter. Criteria: Invitae Variant Classification Sherloc (09022015). Collection method: clinical testing. Allele origin: germline.

GeneDx
Classification: Likely benign. Last evaluated: 2017-07-12. Review status: criteria provided, single submitter. Criteria: GeneDx Variant Classification (06012015). Collection method: clinical testing. Allele origin: germline. Affected: yes.
Comment: This variant is considered likely benign or benign based on one or more of the following criteria: it is a conservative change, it occurs at a poorly conserved position in the protein, it is predicted to be benign by multiple in silico algorithms, and/or has population frequency not consistent with disease.

NM_001035.3(RYR2):c.8616G>A (p.Val2872=)

Gene: RYR2 (ryanodine receptor 2; plus strand). Cytogenetic location: 1q43.
Variant type: single nucleotide variant.
Coding change: c.8616G>A on transcript NM_001035.3 (MANE Select); coding-DNA position 8616, G replaced by A.
Protein change: p.Val2872=; no amino-acid change (valine 2872 retained).
Molecular consequence: synonymous variant.
Genome position (GRCh38, 1-based): chr1:237,674,121, G>A. VCF-style: chr1-237674121-G-A. GRCh37 (hg19) VCF-style: chr1-237837421-G-A.
Other names: c.8616G>A, p.Val2872= (LRG_402t1).
Identifiers: ClinVar variation 510699 (VCV000510699.3), dbSNP rs1553277228, ClinGen allele CA423821353.